The following is an entry in ClinVar:

NM_000057.4(BLM):c.2662+6T>C

Gene: BLM (BLM RecQ like helicase; plus strand). Cytogenetic location: 15q26.1.
Variant type: single nucleotide variant.
Coding change: c.2662+6T>C on transcript NM_000057.4 (MANE Select); 6 bases into the intron after coding-DNA position 2662, T replaced by C.
Molecular consequence: intron variant.
Genome position (GRCh38, 1-based): chr15:90,782,934, T>C. VCF-style: chr15-90782934-T-C. GRCh37 (hg19) VCF-style: chr15-91326164-T-C.
Other names: c.2662+6T>C (NM_001287246.2, NM_001287247.2); c.1537+6T>C (NM_001287248.2).
Identifiers: ClinVar variation 2886010 (VCV002886010.3), dbSNP rs2505495909, ClinGen allele CA2739269813.
Genomic context (GRCh38, chr15:90,782,934, plus strand): 5'-AAGCCTAAAAAGGTGGCATTTGATTGCCTAGAATGGATCAGAAAGCACCACCCATGTGAG[T>C]ACAGCCATGTGATTAGCTGTCTAGAAGTAACAAATGTCTTTTTAGTACCACAATAAGATA-3'

ClinVar aggregate classification (germline): Uncertain significance (1 of 4 stars; one submission).

Conditions:
Bloom syndrome (BLM). Also called: Bloom-Torre-Machacek syndrome. Identifiers: Orphanet 125, MedGen C0005859, MONDO:0008876, OMIM 210900.

Submission:

Labcorp Genetics (formerly Invitae), Labcorp
Classification: Uncertain significance for Bloom syndrome. Last evaluated: 2024-01-03. Review status: criteria provided, single submitter. Criteria: Invitae Variant Classification Sherloc (09022015). Collection method: clinical testing. Allele origin: germline.
Comment: This sequence change falls in intron 13 of the BLM gene. It does not directly change the encoded amino acid sequence of the BLM protein. It affects a nucleotide within the consensus splice site. This variant is not present in population databases (gnomAD no frequency). This variant has not been reported in the literature in individuals affected with BLM-related conditions. Variants that disrupt the consensus splice site are a relatively common cause of aberrant splicing (PMID: 17576681, 9536098). Algorithms developed to predict the effect of sequence changes on RNA splicing suggest that this variant may disrupt the consensus splice site. In summary, the available evidence is currently insufficient to determine the role of this variant in disease. Therefore, it has been classified as a Variant of Uncertain Significance.

Literature cited by the submitters: PubMed 17576681; PubMed 9536098.